The following is an entry in ClinVar:

NM_020975.6(RET):c.181G>A (p.Glu61Lys)

Gene: RET (ret proto-oncogene; plus strand). Cytogenetic location: 10q11.21.
Variant type: single nucleotide variant.
Coding change: c.181G>A on transcript NM_020975.6 (MANE Select); coding-DNA position 181, G replaced by A.
Protein change: p.Glu61Lys; replaces glutamic acid 61 with lysine.
Molecular consequence: missense variant. On other transcripts: intron variant (4).
Genome position (GRCh38, 1-based): chr10:43,100,566, G>A. VCF-style: chr10-43100566-G-A. GRCh37 (hg19) VCF-style: chr10-43596014-G-A.
Other names: c.181G>A, p.Glu61Lys (NM_000323.2, NM_001406743.1, NM_001406744.1 and 34 more transcripts); c.74-8465G>A (NM_001406784.1); c.74-11533G>A (NM_001406794.1, NM_001406792.1, NM_001406793.1); short protein forms E61K.
Identifiers: ClinVar variation 2916819 (VCV002916819.3), dbSNP rs1837617260, ClinGen allele CA376770256.

ClinVar aggregate classification (germline): Uncertain significance (1 of 4 stars; one submission).

Conditions:
Multiple endocrine neoplasia, type 2 (MEN2). Identifiers: Orphanet 653, MedGen C4048306, MONDO:0019003. Disease mechanism: gain of function.

Submission:

Labcorp Genetics (formerly Invitae), Labcorp
Classification: Uncertain significance for Multiple endocrine neoplasia, type 2. Last evaluated: 2023-08-16. Review status: criteria provided, single submitter. Criteria: Invitae Variant Classification Sherloc (09022015). Collection method: clinical testing. Allele origin: germline.
Comment: In summary, the available evidence is currently insufficient to determine the role of this variant in disease. Therefore, it has been classified as a Variant of Uncertain Significance. An algorithm developed to predict the effect of missense changes on protein structure and function (PolyPhen-2) suggests that this variant is likely to be tolerated. This variant has not been reported in the literature in individuals affected with RET-related conditions. This variant is not present in population databases (gnomAD no frequency). This sequence change replaces glutamic acid, which is acidic and polar, with lysine, which is basic and polar, at codon 61 of the RET protein (p.Glu61Lys).